The following is an entry in ClinVar:

NM_003114.5(SPAG1):c.1282_1294dup (p.Ala432fs)

Genes: SPAG1 (sperm associated antigen 1; plus strand), LOC130000832 (ATAC-STARR-seq lymphoblastoid silent region 19412; plus strand). Cytogenetic location: 8q22.2.
Variant type: Duplication.
Coding change: c.1282_1294dup on transcript NM_003114.5 (MANE Select); coding-DNA positions 1282 to 1294, 13 bases duplicated (GCGGGCGGCGGCG).
Protein change: p.Ala432fs; shifts the reading frame from alanine 432.
Molecular consequence: frameshift variant.
Genome position (GRCh38, 1-based): chr8:100,213,275-100,213,287, GCGGGCGGCGGCG duplicated; duplicating any 13 consecutive bases within chr8:100,213,265-100,213,287 gives the same sequence; the c. name uses the placement nearest the transcript's 3' end. VCF-style (leftmost placement, unchanged base first): chr8-100213264-C-CGGCGGCGGCGGCG. GRCh37 (hg19) VCF-style: chr8-101225492-C-CGGCGGCGGCGGCG.
Other names: c.1282_1294dup, p.Ala432fs (NM_001374321.1, NM_172218.3); c.1282_1294dup13 (NM_172218.2); short protein forms A432fs.
Identifiers: ClinVar variation 2137068 (VCV002137068.3), dbSNP rs973819096, ClinGen allele CA182382949.

ClinVar aggregate classification (germline): Pathogenic/Likely pathogenic. Review status: criteria provided, multiple submitters, no conflicts (2 of 4 stars). 2 submissions from 2 submitters: Pathogenic (1); Likely pathogenic (1). Last evaluated 2026-01-17.

Conditions:
SPAG1-related disorder. Also called: SPAG1-related condition.
Primary ciliary dyskinesia 28. Also called: CILIARY DYSKINESIA, PRIMARY, 28, WITH OR WITHOUT SITUS INVERSUS. Identifiers: Orphanet 244, MedGen C3809706, MONDO:0014216, OMIM 615505.

Submissions (2):

Labcorp Genetics (formerly Invitae), Labcorp
Classification: Pathogenic for Primary ciliary dyskinesia 28. Last evaluated: 2026-01-17. Review status: criteria provided, single submitter. Criteria: Invitae Variant Classification Sherloc (09022015). Collection method: clinical testing. Allele origin: germline.
Comment: This sequence change creates a premature translational stop signal (p.Ala432Glyfs*54) in the SPAG1 gene. It is expected to result in an absent or disrupted protein product. Loss-of-function variants in SPAG1 are known to be pathogenic (PMID: 24055112). The frequency data for this variant in the population databases is considered unreliable, as metrics indicate poor data quality at this position in the gnomAD database. This variant has not been reported in the literature in individuals affected with SPAG1-related conditions. ClinVar contains an entry for this variant (Variation ID: 2137068). For these reasons, this variant has been classified as Pathogenic.

PreventionGenetics, part of Exact Sciences
Classification: Likely pathogenic for SPAG1-related condition. Last evaluated: 2025-06-04. Review status: criteria provided, single submitter. Criteria: ACMG Guidelines, 2015. Collection method: clinical testing. Allele origin: germline.
Comment: The SPAG1 c.1282_1294dup13 variant is predicted to result in a frameshift and premature protein termination (p.Ala432Glyfs*54). To our knowledge, this variant has not been reported in the literature. This variant is reported in 0.014% of alleles in individuals of European (Non-Finnish) descent in gnomAD. Frameshift variants in SPAG1 are expected to be pathogenic. This variant is interpreted as likely pathogenic.

Literature cited by the submitters: PubMed 24055112 (cited by Labcorp Genetics (formerly Invitae), Labcorp).